The following is an entry in ClinVar:

NM_080284.3(ABCA6):c.1620C>T (p.Ile540=)

Gene: ABCA6 (ATP binding cassette subfamily A member 6; minus strand). Cytogenetic location: 17q24.3.
Variant type: single nucleotide variant.
Coding change: c.1620C>T on transcript NM_080284.3 (MANE Select); coding-DNA position 1620, C replaced by T.
Protein change: p.Ile540=; no amino-acid change (isoleucine 540 retained).
Molecular consequence: synonymous variant.
Genome position (GRCh38, 1-based): chr17:69,114,924, G>A on the plus strand (C>T on the coding strand, the complement: ABCA6 is on the minus strand). VCF-style: chr17-69114924-G-A. GRCh37 (hg19) VCF-style: chr17-67111065-G-A.
Identifiers: ClinVar variation 2648165 (VCV002648165.24), dbSNP rs138479597, ClinGen allele CA8734446.
Genomic context (GRCh38, chr17:69,114,924, plus strand): 5'-GACGCCAGTTATCTTTCTGATTTCCTCCAAGTCTTGCATTTCAGAGAGATTTTTATTATA[G>A]ATGGTAACTGATCCTAAGAATAGAAGTTAAAAATAAAATTGGCAAGATAATACATTCTAT-3'
Protein context (NP_525023.2, residues 530-550): LSVPTEGSVT[Ile540=]YNKNLSEMQD

ClinVar aggregate classification (germline): Likely benign (1 of 4 stars; one submission).

Allele frequency attached by ClinVar (database versions not stated): 1000 Genomes Project 0.00140; 1000 Genomes Project 30x 0.00141; ExAC 0.00332; gnomAD 0.00412; TOPMed 0.00412; ESP Exome Variant Server 0.00484; gnomAD exomes 0.00589.
gnomAD v4.1: 9,125 of 1,606,976 alleles (0.57%); highest among the groups gnomAD compares: Non-Finnish European, 0.71%; 28 homozygotes.

Submission:

CeGaT Center for Human Genetics Tuebingen
Classification: Likely benign. Last evaluated: 2022-11-01. Review status: criteria provided, single submitter. Criteria: CeGaT Center For Human Genetics Tuebingen Variant Classification Criteria Version 2. Collection method: clinical testing. Allele origin: germline. Affected: yes. Observed: 1 variant allele.
Comment: ABCA6: BP4, BP7, BS2